The following is an entry in ClinVar:

NM_145886.4(PIDD1):c.2214_2241del (p.Ala739fs)

Gene: PIDD1 (p53-induced death domain protein 1; minus strand). Cytogenetic location: 11p15.5.
Variant type: Deletion.
Coding change: c.2214_2241del on transcript NM_145886.4 (MANE Select); coding-DNA positions 2214 to 2241, 28 bases deleted (TGCCCGGCAGAGGAAGGGCGCAGACGCC).
Protein change: p.Ala739fs; shifts the reading frame from alanine 739.
Molecular consequence: frameshift variant.
Genome position (GRCh38, 1-based): chr11:800,164-800,191, GGCGTCTGCGCCCTTCCTCTGCCGGGCA deleted on the plus strand (TGCCCGGCAGAGGAAGGGCGCAGACGCC on the coding strand, the reverse complement: PIDD1 is on the minus strand); deleting any 28 consecutive bases within chr11:800,164-800,192 gives the same sequence; the c. name uses the placement nearest the transcript's 3' end. VCF-style (leftmost placement, unchanged base first): chr11-800163-GGGCGTCTGCGCCCTTCCTCTGCCGGGCA-G. GRCh37 (hg19) VCF-style: chr11-800163-GGGCGTCTGCGCCCTTCCTCTGCCGGGCA-G.
Other names: c.2163_2190del, p.Ala722fs (NM_145887.4); short protein forms A722fs, A739fs.
Identifiers: ClinVar variation 4056723 (VCV004056723.1).

ClinVar aggregate classification (germline): Likely pathogenic (1 of 4 stars; one submission).

Conditions:
Intellectual developmental disorder, autosomal recessive 75, with neuropsychiatric features and variant lissencephaly (MRT75). Identifiers: MedGen C5676961, MONDO:0030785, OMIM 619827.

Submission:

Laboratorio de Genetica e Diagnostico Molecular, Hospital Israelita Albert Einstein
Classification: Likely pathogenic for Intellectual developmental disorder, autosomal recessive 75, with neuropsychiatric features and variant lissencephaly. Last evaluated: 2025-03-21. Review status: criteria provided, single submitter. Criteria: ACMG Guidelines, 2015. Collection method: clinical testing. Allele origin: germline. Affected: yes.
Comment: ACMG classification criteria: PVS1 very strong, PM2 supporting